The following is an entry in ClinVar:

NM_015311.3(OBSL1):c.4979C>G (p.Thr1660Ser)

Gene: OBSL1 (obscurin like cytoskeletal adaptor 1; minus strand). Cytogenetic location: 2q35.
Variant type: single nucleotide variant.
Coding change: c.4979C>G on transcript NM_015311.3 (MANE Select); coding-DNA position 4979, C replaced by G.
Protein change: p.Thr1660Ser; replaces threonine 1660 with serine.
Molecular consequence: missense variant.
Genome position (GRCh38, 1-based): chr2:219,553,584, G>C on the plus strand (C>G on the coding strand, the complement: OBSL1 is on the minus strand). VCF-style: chr2-219553584-G-C. GRCh37 (hg19) VCF-style: chr2-220418306-G-C.
Other names: short protein forms T1660S.
Identifiers: ClinVar variation 4759716 (VCV004759716.1).

ClinVar aggregate classification (germline): Uncertain significance (1 of 4 stars; one submission).

Submission:

Labcorp Genetics (formerly Invitae), Labcorp
Classification: Uncertain significance. Last evaluated: 2025-04-19. Review status: criteria provided, single submitter. Criteria: Invitae Variant Classification Sherloc (09022015). Collection method: clinical testing. Allele origin: germline.
Comment: This sequence change replaces threonine, which is neutral and polar, with serine, which is neutral and polar, at codon 1660 of the OBSL1 protein (p.Thr1660Ser). This variant is not present in population databases (gnomAD no frequency). This variant has not been reported in the literature in individuals affected with OBSL1-related conditions. An algorithm developed to predict the effect of missense changes on protein structure and function (PolyPhen-2) suggests that this variant is likely to be disruptive. Algorithms developed to predict the effect of sequence changes on RNA splicing suggest that this variant may disrupt the consensus splice site. In summary, the available evidence is currently insufficient to determine the role of this variant in disease. Therefore, it has been classified as a Variant of Uncertain Significance.